The following is an entry in ClinVar:

NM_003737.4(DCHS1):c.2933G>A (p.Arg978His)

Gene: DCHS1 (dachsous cadherin-related 1; minus strand). Cytogenetic location: 11p15.4.
Variant type: single nucleotide variant.
Coding change: c.2933G>A on transcript NM_003737.4 (MANE Select); coding-DNA position 2933, G replaced by A.
Protein change: p.Arg978His; replaces arginine 978 with histidine.
Molecular consequence: missense variant.
Genome position (GRCh38, 1-based): chr11:6,632,579, C>T on the plus strand (G>A on the coding strand, the complement: DCHS1 is on the minus strand). VCF-style: chr11-6632579-C-T. GRCh37 (hg19) VCF-style: chr11-6653810-C-T.
Other names: short protein forms R978H.
Identifiers: ClinVar variation 4748705 (VCV004748705.1).

ClinVar aggregate classification (germline): Uncertain significance (1 of 4 stars; one submission).

gnomAD v4.1: 53 of 1,509,490 alleles (0.0035%); highest among the groups gnomAD compares: African/African-American, 0.0056%; no homozygotes.

Submission:

Labcorp Genetics (formerly Invitae), Labcorp
Classification: Uncertain significance. Last evaluated: 2026-01-02. Review status: criteria provided, single submitter. Criteria: Invitae Variant Classification Sherloc (09022015). Collection method: clinical testing. Allele origin: germline.
Comment: This sequence change replaces arginine, which is basic and polar, with histidine, which is basic and polar, at codon 978 of the DCHS1 protein (p.Arg978His). This variant is present in population databases (no rsID available, gnomAD 0.006%). This variant has not been reported in the literature in individuals affected with DCHS1-related conditions. Invitae Evidence Modeling of protein sequence and biophysical properties (such as structural, functional, and spatial information, amino acid conservation, physicochemical variation, residue mobility, and thermodynamic stability) indicates that this missense variant is not expected to disrupt DCHS1 protein function with a negative predictive value of 80%. In summary, the available evidence is currently insufficient to determine the role of this variant in disease. Therefore, it has been classified as a Variant of Uncertain Significance.